The following is an entry in ClinVar:

NM_000051.4(ATM):c.2043T>A (p.Ser681=)

Gene: ATM (ATM serine/threonine kinase; plus strand). Cytogenetic location: 11q22.3.
Variant type: single nucleotide variant.
Coding change: c.2043T>A on transcript NM_000051.4 (MANE Select); coding-DNA position 2043, T replaced by A.
Protein change: p.Ser681=; no amino-acid change (serine 681 retained).
Molecular consequence: synonymous variant.
Genome position (GRCh38, 1-based): chr11:108,253,958, T>A. VCF-style: chr11-108253958-T-A. GRCh37 (hg19) VCF-style: chr11-108124685-T-A.
Other names: c.2043T>A, p.Ser681= (NM_001351834.2).
Identifiers: ClinVar variation 453400 (VCV000453400.19), dbSNP rs746422877, ClinGen allele CA476672422.

ClinVar aggregate classification (germline): Benign/Likely benign. Review status: criteria provided, multiple submitters, no conflicts (2 of 4 stars). 5 submissions from 5 submitters: Benign (1); Likely benign (4). Last evaluated 2025-12-17.

Conditions:
Hereditary cancer-predisposing syndrome. Also called: Tumor predisposition; Hereditary Cancer Syndrome; Neoplastic Syndromes, Hereditary; Hereditary neoplastic syndrome. Identifiers: Orphanet 140162, MedGen C0027672, MeSH D009386, MONDO:0015356.
Familial cancer of breast. Also called: Hereditary breast cancer; hereditary breast carcinoma; BREAST CANCER, FAMILIAL. Identifiers: Orphanet 227535, MedGen C0346153, MONDO:0016419, OMIM 114480. Disease mechanism: loss of function.
Ataxia-telangiectasia syndrome (AT). Also called: Cerebello-oculocutaneous telangiectasia; Immunodeficiency with ataxia telangiectasia; Ataxia-telangiectasia, complementation group D; AT, COMPLEMENTATION GROUP C; Ataxia-telangiectasia, complementation group E; LOUIS-BAR SYNDROME. Identifiers: Orphanet 100, MedGen C0004135, MONDO:0008840, OMIM 208900.

gnomAD v4.1: 7 of 1,614,088 alleles (0.00043%); highest among the groups gnomAD compares: Non-Finnish European, 0.00059%; no homozygotes.

Submissions (5):

Labcorp Genetics (formerly Invitae), Labcorp
Classification: Likely benign for Ataxia-telangiectasia syndrome. Last evaluated: 2025-12-17. Review status: criteria provided, single submitter. Criteria: Invitae Variant Classification Sherloc (09022015). Collection method: clinical testing. Allele origin: germline.

Myriad Genetics, Inc.
Classification: Benign for Familial cancer of breast. Last evaluated: 2024-05-06. Review status: criteria provided, single submitter. Criteria: Myriad Autosomal Dominant, Autosomal Recessive and X-Linked Classification Criteria (2023). Collection method: clinical testing. Allele origin: unknown.
Comment: This variant is considered benign. This variant is a silent/synonymous amino acid change and it is not expected to impact splicing.

GeneDx
Classification: Likely benign. Last evaluated: 2018-09-13. Review status: criteria provided, single submitter. Criteria: GeneDx Variant Classification Process June 2021. Collection method: clinical testing. Allele origin: germline. Affected: yes.

Color Diagnostics, LLC DBA Color Health
Classification: Likely benign for Hereditary cancer-predisposing syndrome. Last evaluated: 2018-02-15. Review status: criteria provided, single submitter. Criteria: ACMG Guidelines, 2015. Collection method: clinical testing. Allele origin: germline.

Ambry Genetics
Classification: Likely benign for Hereditary cancer-predisposing syndrome. Last evaluated: 2016-01-18. Review status: criteria provided, single submitter. Criteria: Ambry Variant Classification Scheme 2023. Collection method: clinical testing. Allele origin: germline.